The following is an entry in ClinVar:

NM_080680.3(COL11A2):c.755C>G (p.Pro252Arg)

Gene: COL11A2 (collagen type XI alpha 2 chain; minus strand). Cytogenetic location: 6p21.32.
Variant type: single nucleotide variant.
Coding change: c.755C>G on transcript NM_080680.3 (MANE Select); coding-DNA position 755, C replaced by G.
Protein change: p.Pro252Arg; replaces proline 252 with arginine.
Molecular consequence: missense variant. On other transcripts: 5 prime UTR variant (3), non-coding transcript variant (1).
Genome position (GRCh38, 1-based): chr6:33,186,670, G>C on the plus strand (C>G on the coding strand, the complement: COL11A2 is on the minus strand). VCF-style: chr6-33186670-G-C. GRCh37 (hg19) VCF-style: chr6-33154447-G-C.
Other names: c.755C>G, p.Pro252Arg (NM_001163771.2, NM_001424108.1, NM_080679.3 and 1 more transcripts); c.-92C>G (NM_001424109.1, NM_001424110.1, NM_001424111.1); short protein forms P252R.
Identifiers: ClinVar variation 4704931 (VCV004704931.1).

ClinVar aggregate classification (germline): Uncertain significance (1 of 4 stars; one submission).

Submission:

Labcorp Genetics (formerly Invitae), Labcorp
Classification: Uncertain significance. Last evaluated: 2025-10-16. Review status: criteria provided, single submitter. Criteria: Invitae Variant Classification Sherloc (09022015). Collection method: clinical testing. Allele origin: germline.
Comment: This sequence change replaces proline, which is neutral and non-polar, with arginine, which is basic and polar, at codon 252 of the COL11A2 protein (p.Pro252Arg). This variant is not present in population databases (gnomAD no frequency). This variant has not been reported in the literature in individuals affected with COL11A2-related conditions. Invitae Evidence Modeling of protein sequence and biophysical properties (such as structural, functional, and spatial information, amino acid conservation, physicochemical variation, residue mobility, and thermodynamic stability) indicates that this missense variant is not expected to disrupt COL11A2 protein function with a negative predictive value of 95%. In summary, the available evidence is currently insufficient to determine the role of this variant in disease. Therefore, it has been classified as a Variant of Uncertain Significance.